The following is an entry in ClinVar:

NM_198576.4(AGRN):c.2680+6T>C

Gene: AGRN (agrin; plus strand). Cytogenetic location: 1p36.33.
Variant type: single nucleotide variant.
Coding change: c.2680+6T>C on transcript NM_198576.4 (MANE Select); 6 bases into the intron after coding-DNA position 2680, T replaced by C.
Molecular consequence: intron variant.
Genome position (GRCh38, 1-based): chr1:1,045,882, T>C. VCF-style: chr1-1045882-T-C. GRCh37 (hg19) VCF-style: chr1-981262-T-C.
Other names: c.2680+6T>C (NM_001305275.2); c.2365+6T>C (NM_001364727.2).
Identifiers: ClinVar variation 1462485 (VCV001462485.5), dbSNP rs748272401, ClinGen allele CA508743.

ClinVar aggregate classification (germline): Uncertain significance (1 of 4 stars; one submission).

Conditions:
Congenital myasthenic syndrome 8. Also called: Myasthenic syndrome, congenital, 8, with pre- and postsynaptic defects; MYASTHENIC SYNDROME, CONGENITAL, DUE TO AGRIN DEFICIENCY. Identifiers: Orphanet 590, MedGen C3808739, MONDO:0014052, OMIM 615120.

Allele frequency attached by ClinVar (database versions not stated): TOPMed 0.00002; gnomAD exomes 0.00001; gnomAD 0.00001; ExAC 0.00002.
gnomAD v4.1: 12 of 1,610,024 alleles (0.00075%); highest among the groups gnomAD compares: Non-Finnish European, 0.001%; no homozygotes.

Submission:

Labcorp Genetics (formerly Invitae), Labcorp
Classification: Uncertain significance for Congenital myasthenic syndrome 8. Last evaluated: 2022-08-09. Review status: criteria provided, single submitter. Criteria: Invitae Variant Classification Sherloc (09022015). Collection method: clinical testing. Allele origin: germline.
Comment: In summary, the available evidence is currently insufficient to determine the role of this variant in disease. Therefore, it has been classified as a Variant of Uncertain Significance. Variants that disrupt the consensus splice site are a relatively common cause of aberrant splicing (PMID: 17576681, 9536098). Algorithms developed to predict the effect of sequence changes on RNA splicing suggest that this variant may create or strengthen a splice site. ClinVar contains an entry for this variant (Variation ID: 1462485). This variant has not been reported in the literature in individuals affected with AGRN-related conditions. This variant is present in population databases (rs748272401, gnomAD 0.003%). This sequence change falls in intron 15 of the AGRN gene. It does not directly change the encoded amino acid sequence of the AGRN protein. It affects a nucleotide within the consensus splice site.

Literature cited by the submitters: PubMed 17576681; PubMed 9536098.